The following is an entry in ClinVar:

ClinVar aggregate classification (germline): Pathogenic (1 of 4 stars; one submission).

Conditions:
Peroxisome biogenesis disorder. Identifiers: Orphanet 79189, MedGen C1832200, MONDO:0019234. Disease mechanism: loss of function.

Submission:

Labcorp Genetics (formerly Invitae), Labcorp
Classification: Pathogenic for Peroxisome biogenesis disorder. Last evaluated: 2023-07-13. Review status: criteria provided, single submitter. Criteria: Invitae Variant Classification Sherloc (09022015). Collection method: clinical testing. Allele origin: germline.
Comment: This sequence change creates a premature translational stop signal (p.Ala530Glnfs*19) in the PEX6 gene. It is expected to result in an absent or disrupted protein product. Loss-of-function variants in PEX6 are known to be pathogenic (PMID: 8670792, 19877282, 21031596). For these reasons, this variant has been classified as Pathogenic. This variant has not been reported in the literature in individuals affected with PEX6-related conditions. This variant is not present in population databases (gnomAD no frequency).

Literature cited by the submitters: PubMed 8670792; PubMed 19877282; PubMed 21031596.

NM_000287.4(PEX6):c.1586_1587dup (p.Ala530fs)

Gene: PEX6 (peroxisomal biogenesis factor 6; minus strand). Cytogenetic location: 6p21.1.
Variant type: Microsatellite.
Coding change: c.1586_1587dup on transcript NM_000287.4 (MANE Select); coding-DNA positions 1586 to 1587, 2 bases duplicated (CA; older notation c.1586_1587dupCA).
Protein change: p.Ala530fs; shifts the reading frame from alanine 530.
Molecular consequence: frameshift variant. On other transcripts: non-coding transcript variant (1).
Genome position (GRCh38, 1-based): chr6:42,968,391-42,968,392, TG duplicated on the plus strand (CA on the coding strand, the reverse complement: PEX6 is on the minus strand); duplicating any 2 consecutive bases within chr6:42,968,391-42,968,394 gives the same sequence; the c. name uses the placement nearest the transcript's 3' end. VCF-style (leftmost placement, unchanged base first): chr6-42968390-C-CTG. GRCh37 (hg19) VCF-style: chr6-42936128-C-CTG.
Other names: c.1322_1323dup, p.Ala442fs (NM_001316313.2); short protein forms A530fs, A442fs.
Identifiers: ClinVar variation 2742946 (VCV002742946.3), dbSNP rs2481224877, ClinGen allele CA2697553361.